The following is an entry in ClinVar:

ClinVar aggregate classification (germline): Uncertain significance (1 of 4 stars; one submission).

Conditions:
Hereditary cancer-predisposing syndrome. Also called: Neoplastic Syndromes, Hereditary; Tumor predisposition; Hereditary neoplastic syndrome; Hereditary Cancer Syndrome. Identifiers: Orphanet 140162, MedGen C0027672, MeSH D009386, MONDO:0015356.

Submission:

Ambry Genetics
Classification: Uncertain significance for Hereditary cancer-predisposing syndrome. Last evaluated: 2023-02-03. Review status: criteria provided, single submitter. Criteria: Ambry Variant Classification Scheme 2023. Collection method: clinical testing. Allele origin: germline.
Comment: The p.P281R variant (also known as c.842C>G), located in coding exon 4 of the SMARCA4 gene, results from a C to G substitution at nucleotide position 842. The proline at codon 281 is replaced by arginine, an amino acid with dissimilar properties. This amino acid position is highly conserved in available vertebrate species. In addition, the in silico prediction for this alteration is inconclusive. Missense and in-frame variants in SMARCA4 are known to cause neurodevelopmental disorders; however, such associations with rhabdoid tumor predisposition syndrome including small cell carcinoma of the ovary-hypercalcemic type (SCCOHT) are exceedingly rare (Kosho T et al. Am J Med Genet C Semin Med Genet. 2014 Sep;166C(3):262-75; Jelinic P et al. Nat Genet. 2014 May;46(5):424-6). Since supporting evidence is limited at this time, the clinical significance of this alteration remains unclear.

NM_003072.5(SMARCA4):c.842C>G (p.Pro281Arg)

Gene: SMARCA4 (SWI/SNF related BAF chromatin remodeling complex subunit ATPase 4; plus strand). Cytogenetic location: 19p13.2.
Variant type: single nucleotide variant.
Coding change: c.842C>G on transcript NM_003072.5 (MANE Select); coding-DNA position 842, C replaced by G.
Protein change: p.Pro281Arg; replaces proline 281 with arginine.
Molecular consequence: missense variant. On other transcripts: non-coding transcript variant (1).
Genome position (GRCh38, 1-based): chr19:10,986,986, C>G. VCF-style: chr19-10986986-C-G. GRCh37 (hg19) VCF-style: chr19-11097662-C-G.
Other names: c.842C>G, p.Pro281Arg (NM_001128844.3, NM_001128845.2, NM_001128846.2 and 6 more transcripts); short protein forms P281R.
Identifiers: ClinVar variation 2452869 (VCV002452869.2), dbSNP rs2145797775, ClinGen allele CA404058126.
Genomic context (GRCh38, chr19:10,986,986, plus strand): 5'-CTCCCCCAGGACCCTCGGGCGTGCCCCCCGGGATGCCAGGCCAGCCTCCTGGAGGGCCTC[C>G]CAAGCCCTGGCCTGAAGGTGAGCTCCCTCTTCTATGGTGGTGCACCCGTGCCCTTACTCC-3'
Protein context (NP_003063.2, residues 271-291): GMPGQPPGGP[Pro281Arg]KPWPEGPMAN